The following is an entry in ClinVar:

ClinVar aggregate classification (germline): Uncertain significance (1 of 4 stars; one submission).

gnomAD v4.1: 2 of 1,613,782 alleles (0.00012%); highest among the groups gnomAD compares: Non-Finnish European, 0.00017%; no homozygotes.

Submission:

GeneDx
Classification: Uncertain significance. Last evaluated: 2024-12-20. Review status: criteria provided, single submitter. Criteria: GeneDx Variant Classification Process June 2021. Collection method: clinical testing. Allele origin: germline. Affected: yes.
Comment: Not observed at significant frequency in large population cohorts (gnomAD); In silico analysis indicates that this missense variant does not alter protein structure/function; Has not been previously published as pathogenic or benign to our knowledge; This substitution is predicted to be in the C-terminal cytoplasmic domain and IQ domain

NM_001165963.4(SCN1A):c.5828A>G (p.Asn1943Ser)

Genes: SCN1A (sodium voltage-gated channel alpha subunit 1; minus strand), LOC102724058 (uncharacterized LOC102724058; plus strand). Cytogenetic location: 2q24.3.
Variant type: single nucleotide variant.
Coding change: c.5828A>G on transcript NM_001165963.4 (MANE Select); coding-DNA position 5828, A replaced by G.
Protein change: p.Asn1943Ser; replaces asparagine 1943 with serine.
Molecular consequence: missense variant. On other transcripts: non-coding transcript variant (1).
Genome position (GRCh38, 1-based): chr2:165,991,447, T>C on the plus strand (A>G on the coding strand, the complement: SCN1A is on the minus strand). VCF-style: chr2-165991447-T-C. GRCh37 (hg19) VCF-style: chr2-166847957-T-C.
Other names: c.5744A>G, p.Asn1915Ser (NM_001165964.3, NM_001353957.2, NM_001353958.2); c.5828A>G, p.Asn1943Ser (NM_001202435.3, NM_001353948.2); c.5795A>G, p.Asn1932Ser (NM_001353949.2, NM_001353950.2, NM_001353951.2 and 2 more transcripts); c.5792A>G, p.Asn1931Ser (NM_001353954.2, NM_001353955.2); c.5741A>G, p.Asn1914Ser (NM_001353960.2); c.3386A>G, p.Asn1129Ser (NM_001353961.2); short protein forms N1129S, N1914S, N1915S, N1931S, N1932S, N1943S.
Identifiers: ClinVar variation 3906526 (VCV003906526.1).